The following is an entry in ClinVar:

ClinVar aggregate classification (germline): Pathogenic/Likely pathogenic. Review status: criteria provided, multiple submitters, no conflicts (2 of 4 stars). 2 submissions from 2 submitters: Pathogenic (1); Likely pathogenic (1). Last evaluated 2024-10-16.

Conditions:
Medium-chain acyl-coenzyme A dehydrogenase deficiency (ACADMD). Also called: MCADH DEFICIENCY; MCADD; ACADM DEFICIENCY; CARNITINE DEFICIENCY SECONDARY TO MEDIUM-CHAIN ACYL-CoA DEHYDROGENASE DEFICIENCY; MCAD Deficiency; Medium chain acyl-CoA dehydrogenase deficiency. Identifiers: Orphanet 42, MedGen C0220710, MONDO:0008721, OMIM 201450.

Allele frequency attached by ClinVar (database versions not stated): gnomAD exomes below 0.00001.
gnomAD v4.1: 1 of 1,608,236 alleles (0.000062%); highest among the groups gnomAD compares: Non-Finnish European, 0.000085%; no homozygotes.

Submissions (2):

Natera, Inc.
Classification: Pathogenic for Medium Chain Acyl-CoA Dehydrogenase Deficiency. Last evaluated: 2024-10-16. Review status: criteria provided, single submitter. Criteria: Natera Variant Classification Schema (03/2026). Collection method: clinical testing. Allele origin: germline.
Comment: The c.387+2T>C variant in ACADM is a canonical splice donor site variant predicted to affect pre-mRNA splicing, which may result in an abnormal transcript and altered protein product. This variant is expected to result in nonsense mediated decay, truncation, or a dysfunctional protein product. This variant is rare in the general population with a frequency below the threshold expected for the associated phenotype(s). Another variant at this same site results in an alteration predicted to cause a similar molecular effect has been observed in individual(s) with the associated phenotype. Given the available evidence, this variant is classified as Pathogenic.

Baylor Genetics
Classification: Likely pathogenic for Medium-chain acyl-coenzyme A dehydrogenase deficiency. Last evaluated: 2023-07-07. Review status: criteria provided, single submitter. Criteria: ACMG Guidelines, 2015. Collection method: clinical testing. Allele origin: unknown.

NM_000016.6(ACADM):c.387+2T>C

Gene: ACADM (acyl-CoA dehydrogenase medium chain; plus strand). Cytogenetic location: 1p31.1.
Variant type: single nucleotide variant.
Coding change: c.387+2T>C on transcript NM_000016.6 (MANE Select); the canonical splice donor site of the intron after coding-DNA position 387, T replaced by C.
Molecular consequence: splice donor variant. On other transcripts: intron variant (1).
Genome position (GRCh38, 1-based): chr1:75,733,630, T>C. VCF-style: chr1-75733630-T-C. GRCh37 (hg19) VCF-style: chr1-76199315-T-C.
Other names: c.399+2T>C (NM_001127328.3); c.486+2T>C (NM_001286043.2); c.279+2T>C (NM_001286042.2); c.-100+708T>C (NM_001286044.2); c.387+2T>C (NM_000016.5).
Identifiers: ClinVar variation 2679894 (VCV002679894.2), dbSNP rs2525578687, ClinGen allele CA340812677.